The following is an entry in ClinVar:

ClinVar aggregate classification (germline): Pathogenic (1 of 4 stars; one submission).

Conditions:
LAMA2-related muscular dystrophy (LAMA2-RD). Also called: Laminin alpha 2-related dystrophy. Identifiers: MedGen C5679788, MONDO:0100228.

Allele frequency attached by ClinVar (database versions not stated): gnomAD exomes below 0.00001.
gnomAD v4.1: 2 of 1,614,040 alleles (0.00012%); highest among the groups gnomAD compares: Admixed American, 0.0017%; no homozygotes.

Submission:

Labcorp Genetics (formerly Invitae), Labcorp
Classification: Pathogenic for LAMA2-related muscular dystrophy. Last evaluated: 2023-03-21. Review status: criteria provided, single submitter. Criteria: Invitae Variant Classification Sherloc (09022015). Collection method: clinical testing. Allele origin: germline.
Comment: This variant is present in population databases (no rsID available, gnomAD 0.003%). For these reasons, this variant has been classified as Pathogenic. This premature translational stop signal has been observed in individual(s) with clinical features of congenital muscular dystrophy (PMID: 20207543). This sequence change creates a premature translational stop signal (p.Trp1098*) in the LAMA2 gene. It is expected to result in an absent or disrupted protein product. Loss-of-function variants in LAMA2 are known to be pathogenic (PMID: 18700894, 32904964).

Literature cited by the submitters: PubMed 20207543; PubMed 18700894; PubMed 32904964.

NM_000426.4(LAMA2):c.3294G>A (p.Trp1098Ter)

Gene: LAMA2 (laminin subunit alpha 2; plus strand). Cytogenetic location: 6q22.33.
Variant type: single nucleotide variant.
Coding change: c.3294G>A on transcript NM_000426.4 (MANE Select); coding-DNA position 3294, G replaced by A.
Protein change: p.Trp1098Ter; replaces tryptophan 1098 with a stop codon.
Molecular consequence: nonsense.
Genome position (GRCh38, 1-based): chr6:129,312,980, G>A. VCF-style: chr6-129312980-G-A. GRCh37 (hg19) VCF-style: chr6-129634125-G-A.
Other names: c.3294G>A, p.Trp1098Ter (NM_001079823.2); short protein forms W1098*.
Identifiers: ClinVar variation 2848113 (VCV002848113.3), dbSNP rs1298336252, ClinGen allele CA365611893.